The following is an entry in ClinVar:

ClinVar aggregate classification (germline): Uncertain significance. Review status: criteria provided, multiple submitters, no conflicts (2 of 4 stars). 2 submissions from 2 submitters: Uncertain significance (2). Last evaluated 2024-10-07.

Conditions:
Microcephaly, epilepsy, and diabetes syndrome. Identifiers: Orphanet 306558, MedGen C3280240, MONDO:0100328.
Inborn genetic diseases. Identifiers: MedGen C0950123, MeSH D030342.

Allele frequency attached by ClinVar (database versions not stated): gnomAD 0.00001; TOPMed 0.00002.
gnomAD v4.1: 3 of 1,609,496 alleles (0.00019%); highest among the groups gnomAD compares: African/African-American, 0.0013%; no homozygotes.

Submissions (2):

Ambry Genetics
Classification: Uncertain significance for Inborn genetic diseases. Last evaluated: 2024-10-07. Review status: criteria provided, single submitter. Criteria: Ambry Variant Classification Scheme 2023. Collection method: clinical testing. Allele origin: germline.

Labcorp Genetics (formerly Invitae), Labcorp
Classification: Uncertain significance for Microcephaly, epilepsy, and diabetes syndrome. Last evaluated: 2022-11-15. Review status: criteria provided, single submitter. Criteria: Invitae Variant Classification Sherloc (09022015). Collection method: clinical testing. Allele origin: germline.
Comment: This sequence change replaces leucine, which is neutral and non-polar, with proline, which is neutral and non-polar, at codon 9 of the IER3IP1 protein (p.Leu9Pro). In summary, the available evidence is currently insufficient to determine the role of this variant in disease. Therefore, it has been classified as a Variant of Uncertain Significance. Algorithms developed to predict the effect of missense changes on protein structure and function are either unavailable or do not agree on the potential impact of this missense change (SIFT: "Deleterious"; PolyPhen-2: "Possibly Damaging"; Align-GVGD: "Class C0"). This variant has not been reported in the literature in individuals affected with IER3IP1-related conditions. This variant is present in population databases (no rsID available, gnomAD 0.01%).

NM_016097.5(IER3IP1):c.26T>C (p.Leu9Pro)

Gene: IER3IP1 (immediate early response 3 interacting protein 1; minus strand). Cytogenetic location: 18q21.1.
Variant type: single nucleotide variant.
Coding change: c.26T>C on transcript NM_016097.5 (MANE Select); coding-DNA position 26, T replaced by C.
Protein change: p.Leu9Pro; replaces leucine 9 with proline.
Molecular consequence: missense variant.
Genome position (GRCh38, 1-based): chr18:47,176,252, A>G on the plus strand (T>C on the coding strand, the complement: IER3IP1 is on the minus strand). VCF-style: chr18-47176252-A-G. GRCh37 (hg19) VCF-style: chr18-44702623-A-G.
Other names: c.26T>C (NM_016097.3); short protein forms L9P.
Identifiers: ClinVar variation 2109263 (VCV002109263.4), dbSNP rs964473449, ClinGen allele CA300179315.